The following is an entry in ClinVar:

NM_001368882.1(COL13A1):c.1555A>T (p.Met519Leu)

Gene: COL13A1 (collagen type XIII alpha 1 chain; plus strand). Cytogenetic location: 10q22.1.
Variant type: single nucleotide variant.
Coding change: c.1555A>T on transcript NM_001368882.1 (MANE Select); coding-DNA position 1555, A replaced by T.
Protein change: p.Met519Leu; replaces methionine 519 with leucine.
Molecular consequence: missense variant.
Genome position (GRCh38, 1-based): chr10:69,930,424, A>T. VCF-style: chr10-69930424-A-T. GRCh37 (hg19) VCF-style: chr10-71690180-A-T.
Other names: c.1492A>T, p.Met498Leu (NM_001368884.1, NM_001320951.2); c.1456A>T, p.Met486Leu (NM_001368885.1, NM_080801.4, NM_080802.4); c.892A>T, p.Met298Leu (NM_001368886.1); c.1465A>T, p.Met489Leu (NM_001368895.1, NM_080800.4); c.1351A>T, p.Met451Leu (NM_001368896.1, NM_001368898.1, NM_080798.4); c.1378A>T, p.Met460Leu (NM_001368897.1); c.1522A>T, p.Met508Leu (NM_001130103.2); c.1519A>T, p.Met507Leu (NM_001368883.1); and 1 more; short protein forms M486L, M507L, M460L, M489L, M298L, M457L, M508L, M519L.
Identifiers: ClinVar variation 1506223 (VCV001506223.6), dbSNP rs2135826701, ClinGen allele CA376931168.

ClinVar aggregate classification (germline): Uncertain significance (1 of 4 stars; one submission).

Submission:

Labcorp Genetics (formerly Invitae), Labcorp
Classification: Uncertain significance. Last evaluated: 2022-08-09. Review status: criteria provided, single submitter. Criteria: Invitae Variant Classification Sherloc (09022015). Collection method: clinical testing. Allele origin: germline.
Comment: This variant has not been reported in the literature in individuals affected with COL13A1-related conditions. In summary, the available evidence is currently insufficient to determine the role of this variant in disease. Therefore, it has been classified as a Variant of Uncertain Significance. Algorithms developed to predict the effect of missense changes on protein structure and function output the following: SIFT: "Tolerated"; PolyPhen-2: "Benign"; Align-GVGD: "Class C0". The leucine amino acid residue is found in multiple mammalian species, which suggests that this missense change does not adversely affect protein function. ClinVar contains an entry for this variant (Variation ID: 1506223). This variant is not present in population databases (gnomAD no frequency). This sequence change replaces methionine, which is neutral and non-polar, with leucine, which is neutral and non-polar, at codon 508 of the COL13A1 protein (p.Met508Leu).